The following is an entry in ClinVar:

ClinVar aggregate classification (germline): Conflicting classifications of pathogenicity. Review status: criteria provided, conflicting classifications (1 of 4 stars). 3 submissions from 3 submitters: Uncertain significance (2); Likely benign (1). Last evaluated 2026-08-17.

Conditions:
Cardiovascular phenotype. Identifiers: MedGen CN230736.

Allele frequency attached by ClinVar (database versions not stated): gnomAD 0.00001; ExAC 0.00002; gnomAD exomes 0.00002; TOPMed 0.00003; ESP Exome Variant Server 0.00008.
gnomAD v4.1: 40 of 1,613,584 alleles (0.0025%); highest among the groups gnomAD compares: Middle Eastern, 0.016%; no homozygotes.

Submissions (3):

Ambry Genetics
Classification: Likely benign for Cardiovascular phenotype. Last evaluated: 2026-08-17. Review status: criteria provided, single submitter. Criteria: Ambry Variant Classification Scheme 2023. Collection method: clinical testing. Allele origin: germline.

Labcorp Genetics (formerly Invitae), Labcorp
Classification: Uncertain significance. Last evaluated: 2025-07-22. Review status: criteria provided, single submitter. Criteria: Invitae Variant Classification Sherloc (09022015). Collection method: clinical testing. Allele origin: germline.
Comment: This sequence change replaces threonine, which is neutral and polar, with methionine, which is neutral and non-polar, at codon 775 of the EPHB4 protein (p.Thr775Met). This variant is present in population databases (rs367628554, gnomAD 0.006%). This variant has not been reported in the literature in individuals affected with EPHB4-related conditions. ClinVar contains an entry for this variant (Variation ID: 810149). Invitae Evidence Modeling of protein sequence and biophysical properties (such as structural, functional, and spatial information, amino acid conservation, physicochemical variation, residue mobility, and thermodynamic stability) has been performed for this missense variant. However, the output from this modeling did not meet the statistical confidence thresholds required to predict the impact of this variant on EPHB4 protein function. Experimental studies have shown that this missense change does not substantially affect EPHB4 function (PMID: 33864021). In summary, the available evidence is currently insufficient to determine the role of this variant in disease. Therefore, it has been classified as a Variant of Uncertain Significance.

CeGaT Center for Human Genetics Tuebingen
Classification: Uncertain significance. Last evaluated: 2019-04-01. Review status: criteria provided, single submitter. Criteria: CeGaT Center For Human Genetics Tuebingen Variant Classification Criteria Version 2. Collection method: clinical testing. Allele origin: germline. Affected: yes. Observed: 1 variant allele.

Literature cited by the submitters: PubMed 33864021 (cited by Labcorp Genetics (formerly Invitae), Labcorp).

NM_004444.5(EPHB4):c.2324C>T (p.Thr775Met)

Gene: EPHB4 (EPH receptor B4; minus strand). Cytogenetic location: 7q22.1.
Variant type: single nucleotide variant.
Coding change: c.2324C>T on transcript NM_004444.5 (MANE Select); coding-DNA position 2324, C replaced by T.
Protein change: p.Thr775Met; replaces threonine 775 with methionine.
Molecular consequence: missense variant.
Genome position (GRCh38, 1-based): chr7:100,807,375, G>A on the plus strand (C>T on the coding strand, the complement: EPHB4 is on the minus strand). VCF-style: chr7-100807375-G-A. GRCh37 (hg19) VCF-style: chr7-100404997-G-A.
Other names: c.2324C>T (NM_004444.4); short protein forms T775M.
Identifiers: ClinVar variation 810149 (VCV000810149.48), dbSNP rs367628554, ClinGen allele CA4392677.